The following is an entry in ClinVar:

NM_000760.4(CSF3R):c.97G>A (p.Ala33Thr)

Gene: CSF3R (colony stimulating factor 3 receptor; minus strand). Cytogenetic location: 1p34.3.
Variant type: single nucleotide variant.
Coding change: c.97G>A on transcript NM_000760.4 (MANE Select); coding-DNA position 97, G replaced by A.
Protein change: p.Ala33Thr; replaces alanine 33 with threonine.
Molecular consequence: missense variant.
Genome position (GRCh38, 1-based): chr1:36,475,641, C>T on the plus strand (G>A on the coding strand, the complement: CSF3R is on the minus strand). VCF-style: chr1-36475641-C-T. GRCh37 (hg19) VCF-style: chr1-36941242-C-T.
Other names: c.97G>A, p.Ala33Thr (NM_156039.3, NM_172313.3); short protein forms A33T.
Identifiers: ClinVar variation 3690323 (VCV003690323.2).

ClinVar aggregate classification (germline): Uncertain significance (1 of 4 stars; one submission).

Conditions:
Autosomal recessive severe congenital neutropenia due to CSF3R deficiency. Also called: Neutropenia, severe congenital, 7, autosomal recessive. Identifiers: Orphanet 420702, MedGen C4310764, MONDO:0014865, OMIM 617014.

Submission:

Labcorp Genetics (formerly Invitae), Labcorp
Classification: Uncertain significance for Autosomal recessive severe congenital neutropenia due to CSF3R deficiency. Last evaluated: 2024-05-02. Review status: criteria provided, single submitter. Criteria: Invitae Variant Classification Sherloc (09022015). Collection method: clinical testing. Allele origin: germline.
Comment: This sequence change replaces alanine, which is neutral and non-polar, with threonine, which is neutral and polar, at codon 33 of the CSF3R protein (p.Ala33Thr). This variant is not present in population databases (gnomAD no frequency). This variant has not been reported in the literature in individuals affected with CSF3R-related conditions. Advanced modeling of protein sequence and biophysical properties (such as structural, functional, and spatial information, amino acid conservation, physicochemical variation, residue mobility, and thermodynamic stability) performed at Invitae indicates that this missense variant is not expected to disrupt CSF3R protein function with a negative predictive value of 80%. In summary, the available evidence is currently insufficient to determine the role of this variant in disease. Therefore, it has been classified as a Variant of Uncertain Significance.